The following is an entry in ClinVar:

NM_001099271.2(POC5):c.1570C>T (p.His524Tyr)

Gene: POC5 (POC5 centriolar protein; minus strand). Cytogenetic location: 5q13.3.
Variant type: single nucleotide variant.
Coding change: c.1570C>T on transcript NM_001099271.2 (MANE Select); coding-DNA position 1570, C replaced by T.
Protein change: p.His524Tyr; replaces histidine 524 with tyrosine.
Molecular consequence: missense variant.
Genome position (GRCh38, 1-based): chr5:75,677,788, G>A on the plus strand (C>T on the coding strand, the complement: POC5 is on the minus strand). VCF-style: chr5-75677788-G-A. GRCh37 (hg19) VCF-style: chr5-74973613-G-A.
Other names: c.1495C>T, p.His499Tyr (NM_152408.3); short protein forms H499Y, H524Y.
Identifiers: ClinVar variation 2699946 (VCV002699946.3), dbSNP rs1775726253, ClinGen allele CA360142916.

ClinVar aggregate classification (germline): Uncertain significance (1 of 4 stars; one submission).

Allele frequency attached by ClinVar (database versions not stated): gnomAD exomes below 0.00001; TOPMed below 0.00001; gnomAD 0.00001.
gnomAD v4.1: 7 of 1,607,680 alleles (0.00044%); highest among the groups gnomAD compares: Non-Finnish European, 0.00059%; no homozygotes.

Submission:

Labcorp Genetics (formerly Invitae), Labcorp
Classification: Uncertain significance. Last evaluated: 2024-07-31. Review status: criteria provided, single submitter. Criteria: Invitae Variant Classification Sherloc (09022015). Collection method: clinical testing. Allele origin: germline.
Comment: This sequence change replaces histidine, which is basic and polar, with tyrosine, which is neutral and polar, at codon 524 of the POC5 protein (p.His524Tyr). This variant is not present in population databases (gnomAD no frequency). This variant has not been reported in the literature in individuals affected with POC5-related conditions. An algorithm developed to predict the effect of missense changes on protein structure and function (PolyPhen-2) suggests that this variant is likely to be disruptive. In summary, the available evidence is currently insufficient to determine the role of this variant in disease. Therefore, it has been classified as a Variant of Uncertain Significance.